The following is an entry in ClinVar:

NM_001171613.2(PREPL):c.915A>G (p.Ile305Met)

Gene: PREPL (prolyl endopeptidase like; minus strand). Cytogenetic location: 2p21.
Variant type: single nucleotide variant.
Coding change: c.915A>G on transcript NM_001171613.2 (MANE Select); coding-DNA position 915, A replaced by G.
Protein change: p.Ile305Met; replaces isoleucine 305 with methionine.
Molecular consequence: missense variant. On other transcripts: intron variant (1).
Genome position (GRCh38, 1-based): chr2:44,332,630, T>C on the plus strand (A>G on the coding strand, the complement: PREPL is on the minus strand). VCF-style: chr2-44332630-T-C. GRCh37 (hg19) VCF-style: chr2-44559769-T-C.
Other names: c.996A>G, p.Ile332Met (NM_001042385.2); c.1182A>G, p.Ile394Met (NM_001171603.1, NM_001171606.2, NM_001374275.1 and 2 more transcripts); c.915A>G, p.Ile305Met (NM_001171617.1, NM_001374277.1); c.1156-3518A>G (NM_001042386.2); short protein forms I332M, I394M, I305M.
Identifiers: ClinVar variation 1936454 (VCV001936454.2), dbSNP rs143700474, ClinGen allele CA1641293.

ClinVar aggregate classification (germline): Uncertain significance (1 of 4 stars; one submission).

Conditions:
Myasthenic syndrome, congenital, 22 (CMS22). Also called: PREPL DEFICIENCY. Identifiers: MedGen C4479088, MONDO:0044299, OMIM 616224.

Allele frequency attached by ClinVar (database versions not stated): gnomAD exomes 0.00002; gnomAD 0.00005; TOPMed 0.00005; ExAC 0.00007; ESP Exome Variant Server 0.00015.
gnomAD v4.1: 37 of 1,613,704 alleles (0.0023%); highest among the groups gnomAD compares: African/African-American, 0.004%; no homozygotes.

Submission:

Labcorp Genetics (formerly Invitae), Labcorp
Classification: Uncertain significance for Myasthenic syndrome, congenital, 22. Last evaluated: 2022-05-07. Review status: criteria provided, single submitter. Criteria: Invitae Variant Classification Sherloc (09022015). Collection method: clinical testing. Allele origin: germline.
Comment: This sequence change replaces isoleucine, which is neutral and non-polar, with methionine, which is neutral and non-polar, at codon 394 of the PREPL protein (p.Ile394Met). This variant is present in population databases (rs143700474, gnomAD 0.01%). This variant has not been reported in the literature in individuals affected with PREPL-related conditions. Algorithms developed to predict the effect of missense changes on protein structure and function are either unavailable or do not agree on the potential impact of this missense change (SIFT: "Tolerated"; PolyPhen-2: "Possibly Damaging"; Align-GVGD: "Class C0"). In summary, the available evidence is currently insufficient to determine the role of this variant in disease. Therefore, it has been classified as a Variant of Uncertain Significance.